The following is an entry in ClinVar:

NM_000020.3(ACVRL1):c.207C>T (p.Cys69=)

Gene: ACVRL1 (activin A receptor like type 1; plus strand). Cytogenetic location: 12q13.13.
Variant type: single nucleotide variant.
Coding change: c.207C>T on transcript NM_000020.3 (MANE Select); coding-DNA position 207, C replaced by T.
Protein change: p.Cys69=; no amino-acid change (cysteine 69 retained).
Molecular consequence: synonymous variant.
Genome position (GRCh38, 1-based): chr12:51,913,244, C>T. VCF-style: chr12-51913244-C-T. GRCh37 (hg19) VCF-style: chr12-52307028-C-T.
Other names: p.Cys69=; c.207C>T, p.Cys69= (NM_001077401.2).
Identifiers: ClinVar variation 309440 (VCV000309440.34), dbSNP rs56080682, ClinGen allele CA6572834.

ClinVar aggregate classification (germline): Benign/Likely benign. Review status: criteria provided, multiple submitters, no conflicts (2 of 4 stars). 10 submissions from 10 submitters: Benign (7); Likely benign (1). 2 of the submissions do not count toward it. Last evaluated 2026-02-03.

Conditions:
Cardiovascular phenotype. Identifiers: MedGen CN230736.
Telangiectasia, hereditary hemorrhagic, type 2 (HHT2). Also called: ACVRL1-Related Hereditary Hemorrhagic Telangiectasia; Telangiectasia, hereditary hemorrhagic, type II. Identifiers: Orphanet 774, MedGen C1838163, MONDO:0010880, OMIM 600376. Disease mechanism: loss of function.

Allele frequency attached by ClinVar (database versions not stated): ESP Exome Variant Server 0.00015; gnomAD exomes 0.00044 and 0.00170; gnomAD 0.00063 and 0.00103; TOPMed 0.00074; ExAC 0.00249; 1000 Genomes Project 30x 0.00687; 1000 Genomes Project 0.00699.
gnomAD v4.1: 927 of 1,591,284 alleles (0.058%); highest among the groups gnomAD compares: East Asian, 0.89%; 6 homozygotes.

Submissions (10):

Labcorp Genetics (formerly Invitae), Labcorp
Classification: Benign for Telangiectasia, hereditary hemorrhagic, type 2. Last evaluated: 2026-02-03. Review status: criteria provided, single submitter. Criteria: Invitae Variant Classification Sherloc (09022015). Collection method: clinical testing. Allele origin: germline.

CeGaT Center for Human Genetics Tuebingen
Classification: Benign. Last evaluated: 2025-04-01. Review status: criteria provided, single submitter. Criteria: CeGaT Center For Human Genetics Tuebingen Variant Classification Criteria Version 2. Collection method: clinical testing. Allele origin: germline. Affected: yes. Observed: 2 variant alleles.
Comment: ACVRL1: BP4, BS1, BS2

Blueprint Genetics
Classification: Likely benign. Last evaluated: 2024-10-03. Review status: criteria provided, single submitter. Criteria: ACMG Guidelines, 2015. Collection method: clinical testing. Allele origin: germline.

Genome-Nilou Lab
Classification: Benign for Telangiectasia, hereditary hemorrhagic, type 2. Last evaluated: 2021-12-05. Review status: criteria provided, single submitter. Criteria: ACMG Guidelines, 2015. Collection method: clinical testing. Allele origin: germline. Affected: no.

Ambry Genetics
Classification: Benign for Cardiovascular phenotype. Last evaluated: 2019-09-11. Review status: criteria provided, single submitter. Criteria: Ambry Variant Classification Scheme 2023. Collection method: clinical testing. Allele origin: germline.

Mayo Clinic Laboratories, Mayo Clinic
Classification: Benign. Last evaluated: 2018-09-25. Review status: criteria provided, single submitter. Criteria: ACMG Guidelines, 2015. Collection method: clinical testing. Allele origin: germline. Observed: 4 variant alleles.

Illumina Laboratory Services, Illumina
Classification: Benign for Telangiectasia, hereditary hemorrhagic, type 2. Last evaluated: 2018-01-13. Review status: criteria provided, single submitter. Criteria: ICSL Variant Classification Criteria 13 December 2019. Collection method: clinical testing. Allele origin: germline.
Comment: This variant was observed in the ICSL laboratory as part of a predisposition screen in an ostensibly healthy population. It had not been previously curated by ICSL or reported in the Human Gene Mutation Database (HGMD: prior to June 1st, 2018), and was therefore a candidate for classification through an automated scoring system. Utilizing variant allele frequency, disease prevalence and penetrance estimates, and inheritance mode, an automated score was calculated to assess if this variant is too frequent to cause the disease. Based on the score and internal cut-off values, a variant classified as benign is not then subjected to further curation. The score for this variant resulted in a classification of benign for this disease.

ARUP Laboratories, Molecular Genetics and Genomics, ARUP Laboratories
Classification: Benign. Last evaluated: 2018-01-05. Review status: criteria provided, single submitter. Criteria: ARUP Molecular Germline Variant Investigation Process. Collection method: clinical testing. Allele origin: germline.

Genome Diagnostics Laboratory, Amsterdam University Medical Center
Classification: Benign for Telangiectasia, hereditary hemorrhagic, type 2. Last evaluated: 2016-04-24. Review status: no assertion criteria provided. Criteria: ACGS Guidelines, 2013. Collection method: clinical testing. Allele origin: germline. Affected: yes. Study: VKGL Data-share Consensus. Not counted in ClinVar's aggregate classification.

Diagnostic Laboratory, Department of Genetics, University Medical Center Groningen
Classification: Likely benign for Telangiectasia, hereditary hemorrhagic, type 2. Review status: no assertion criteria provided. Collection method: clinical testing. Allele origin: germline. Affected: yes. Study: VKGL Data-share Consensus. Not counted in ClinVar's aggregate classification.